The following is an entry in ClinVar:

ClinVar aggregate classification (germline): Likely benign (1 of 4 stars; one submission).

Allele frequency attached by ClinVar (database versions not stated): 1000 Genomes Project 30x 0.00078; 1000 Genomes Project 0.00100; TOPMed 0.00354; gnomAD 0.00368; gnomAD exomes 0.00443.
gnomAD v4.1: 913 of 233,486 alleles (0.39%); highest among the groups gnomAD compares: Non-Finnish European, 0.65%; 2 homozygotes.

Submission:

CeGaT Center for Human Genetics Tuebingen
Classification: Likely benign. Last evaluated: 2023-02-01. Review status: criteria provided, single submitter. Criteria: CeGaT Center For Human Genetics Tuebingen Variant Classification Criteria Version 2. Collection method: clinical testing. Allele origin: germline. Affected: yes. Observed: 3 variant alleles.
Comment: SMAD3: BS1

NM_005902.4(SMAD3):c.*3658G>A

Gene: SMAD3 (SMAD family member 3; plus strand). Cytogenetic location: 15q22.33.
Variant type: single nucleotide variant.
Coding change: c.*3658G>A on transcript NM_005902.4 (MANE Select); 3658 bases downstream of the stop codon, G replaced by A.
Molecular consequence: 3 prime UTR variant.
Genome position (GRCh38, 1-based): chr15:67,194,194, G>A. VCF-style: chr15-67194194-G-A. GRCh37 (hg19) VCF-style: chr15-67486532-G-A.
Other names: c.*3658G>A (NM_001145102.2, NM_001145103.2, NM_001145104.2 and 7 more transcripts).
Identifiers: ClinVar variation 2645481 (VCV002645481.24), dbSNP rs143991135, ClinGen allele CA272402995.